The following is an entry in ClinVar:

NM_001379500.1(COL18A1):c.2267C>T (p.Pro756Leu)

Gene: COL18A1 (collagen type XVIII alpha 1 chain; plus strand). Cytogenetic location: 21q22.3.
Variant type: single nucleotide variant.
Coding change: c.2267C>T on transcript NM_001379500.1 (MANE Select); coding-DNA position 2267, C replaced by T.
Protein change: p.Pro756Leu; replaces proline 756 with leucine.
Molecular consequence: missense variant.
Genome position (GRCh38, 1-based): chr21:45,493,215, C>T. VCF-style: chr21-45493215-C-T. GRCh37 (hg19) VCF-style: chr21-46913129-C-T.
Other names: c.2807C>T, p.Pro936Leu (NM_030582.4); c.3512C>T, p.Pro1171Leu (NM_130444.3); short protein forms P936L, P1171L, P756L.
Identifiers: ClinVar variation 1435909 (VCV001435909.5), dbSNP rs370673713, ClinGen allele CA10066959.

ClinVar aggregate classification (germline): Uncertain significance. Review status: criteria provided, multiple submitters, no conflicts (2 of 4 stars). 2 submissions from 2 submitters: Uncertain significance (2). Last evaluated 2024-12-02.

Allele frequency attached by ClinVar (database versions not stated): gnomAD 0.00003; gnomAD exomes 0.00003; ExAC 0.00005.
gnomAD v4.1: 47 of 1,559,684 alleles (0.003%); highest among the groups gnomAD compares: Middle Eastern, 0.37%; no homozygotes.

Submissions (2):

Labcorp Genetics (formerly Invitae), Labcorp
Classification: Uncertain significance. Last evaluated: 2024-12-02. Review status: criteria provided, single submitter. Criteria: Invitae Variant Classification Sherloc (09022015). Collection method: clinical testing. Allele origin: germline.
Comment: This sequence change replaces proline, which is neutral and non-polar, with leucine, which is neutral and non-polar, at codon 756 of the COL18A1 protein (p.Pro756Leu). The frequency data for this variant in the population databases is considered unreliable, as metrics indicate poor data quality at this position in the gnomAD database. This variant has not been reported in the literature in individuals affected with COL18A1-related conditions. ClinVar contains an entry for this variant (Variation ID: 1435909). Experimental studies and prediction algorithms are not available or were not evaluated, and the functional significance of this variant is currently unknown. In summary, the available evidence is currently insufficient to determine the role of this variant in disease. Therefore, it has been classified as a Variant of Uncertain Significance.

Breakthrough Genomics
Classification: Uncertain significance. Review status: criteria provided, single submitter. Criteria: ACMG Guidelines, 2015. Collection method: not provided. Allele origin: germline. Inheritance: Autosomal dominant inheritance. Affected: yes.